The following is an entry in ClinVar:

NM_173354.5(SIK1):c.693G>A (p.Thr231=)

Gene: SIK1 (salt inducible kinase 1; minus strand). Cytogenetic location: 21q22.3.
Variant type: single nucleotide variant.
Coding change: c.693G>A on transcript NM_173354.5 (MANE Select); coding-DNA position 693, G replaced by A.
Protein change: p.Thr231=; no amino-acid change (threonine 231 retained).
Molecular consequence: synonymous variant.
Genome position (GRCh38, 1-based): chr21:43,421,065, C>T on the plus strand (G>A on the coding strand, the complement: SIK1 is on the minus strand). VCF-style: chr21-43421065-C-T. GRCh37 (hg19) VCF-style: chr21-44840945-C-T.
Identifiers: ClinVar variation 476106 (VCV000476106.24), dbSNP rs113685366, ClinGen allele CA321327394.

ClinVar aggregate classification (germline): Benign/Likely benign. Review status: criteria provided, multiple submitters, no conflicts (2 of 4 stars). 5 submissions from 5 submitters: Benign (4); Likely benign (1). Last evaluated 2026-06-01.

Conditions:
Inborn genetic diseases. Identifiers: MedGen C0950123, MeSH D030342.
Developmental and epileptic encephalopathy, 30 (DEE30). Also called: Epileptic encephalopathy, early infantile, 30. Identifiers: MedGen C4225360, MONDO:0014595, OMIM 616341.

Allele frequency attached by ClinVar (database versions not stated): gnomAD exomes 0.00296; ExAC 0.00394; gnomAD 0.01016; ESP Exome Variant Server 0.01223; 1000 Genomes Project 0.01318.

Submissions (5):

CeGaT Center for Human Genetics Tuebingen
Classification: Likely benign. Last evaluated: 2026-06-01. Review status: criteria provided, single submitter. Criteria: CeGaT Center For Human Genetics Tuebingen Variant Classification Criteria Version 2. Collection method: clinical testing. Allele origin: germline. Affected: yes. Observed: 2 variant alleles.
Comment: SIK1: PM2:Supporting, BP4, BP7

Labcorp Genetics (formerly Invitae), Labcorp
Classification: Benign for Developmental and epileptic encephalopathy, 30. Last evaluated: 2026-02-03. Review status: criteria provided, single submitter. Criteria: Invitae Variant Classification Sherloc (09022015). Collection method: clinical testing. Allele origin: germline.

Athena Diagnostics
Classification: Benign. Last evaluated: 2018-04-18. Review status: criteria provided, single submitter. Criteria: Athena Diagnostics Criteria. Collection method: clinical testing. Allele origin: germline.

Ambry Genetics
Classification: Benign for Inborn genetic diseases. Last evaluated: 2016-05-02. Review status: criteria provided, single submitter. Criteria: Ambry Variant Classification Scheme 2023. Collection method: clinical testing. Allele origin: germline.

Breakthrough Genomics
Classification: Benign. Review status: criteria provided, single submitter. Criteria: ACMG Guidelines, 2015. Collection method: not provided. Allele origin: germline. Inheritance: Autosomal dominant inheritance. Affected: yes.